The following is an entry in ClinVar:

NM_001042492.3(NF1):c.6480A>G (p.Lys2160=)

Gene: NF1 (neurofibromin 1; plus strand). Cytogenetic location: 17q11.2.
Variant type: single nucleotide variant.
Coding change: c.6480A>G on transcript NM_001042492.3 (MANE Select); coding-DNA position 6480, A replaced by G.
Protein change: p.Lys2160=; no amino-acid change (lysine 2160 retained).
Molecular consequence: synonymous variant.
Genome position (GRCh38, 1-based): chr17:31,337,420, A>G. VCF-style: chr17-31337420-A-G. GRCh37 (hg19) VCF-style: chr17-29664438-A-G.
Other names: c.6417A>G, p.Lys2139= (NM_000267.4).
Identifiers: ClinVar variation 413028 (VCV000413028.17), dbSNP rs1060503918, ClinGen allele CA16615668.

ClinVar aggregate classification (germline): Conflicting classifications of pathogenicity. Review status: criteria provided, conflicting classifications (1 of 4 stars). 4 submissions from 4 submitters: Uncertain significance (1); Benign (1); Likely benign (2). Last evaluated 2026-05-21.

Conditions:
Hereditary cancer-predisposing syndrome. Also called: Hereditary Cancer Syndrome; Neoplastic Syndromes, Hereditary; Hereditary neoplastic syndrome; Tumor predisposition. Identifiers: Orphanet 140162, MedGen C0027672, MeSH D009386, MONDO:0015356.
Cardiovascular phenotype. Identifiers: MedGen CN230736.
Neurofibromatosis, type 1 (NF1). Also called: VON RECKLINGHAUSEN DISEASE; NEUROFIBROMATOSIS, TYPE I, SOMATIC; Neurofibromatosis, type I; Peripheral type neurofibromatosis. Identifiers: Orphanet 636, MedGen C0027831, MONDO:0018975, OMIM 162200. Disease mechanism: loss of function.

Allele frequency attached by ClinVar (database versions not stated): TOPMed 0.00001; gnomAD 0.00001.

Submissions (4):

Myriad Genetics, Inc.
Classification: Benign for Neurofibromatosis, type 1. Last evaluated: 2026-05-21. Review status: criteria provided, single submitter. Criteria: Myriad Autosomal Dominant, Autosomal Recessive and X-Linked Classification Criteria (2023). Collection method: clinical testing. Allele origin: unknown.
Comment: This variant is considered benign. This variant is a silent/synonymous amino acid change and it is not expected to impact splicing.

Labcorp Genetics (formerly Invitae), Labcorp
Classification: Likely benign for Neurofibromatosis, type 1. Last evaluated: 2025-12-09. Review status: criteria provided, single submitter. Criteria: Invitae Variant Classification Sherloc (09022015). Collection method: clinical testing. Allele origin: germline.

Ambry Genetics
Classification: Likely benign for Cardiovascular phenotype; Hereditary cancer-predisposing syndrome. Last evaluated: 2020-05-14. Review status: criteria provided, single submitter. Criteria: Ambry Variant Classification Scheme 2023. Collection method: clinical testing. Allele origin: germline.

Genetic Services Laboratory, University of Chicago
Classification: Uncertain significance. Last evaluated: 2019-05-30. Review status: criteria provided, single submitter. Criteria: ACMG Guidelines, 2015. Collection method: clinical testing. Allele origin: germline. Affected: no.